The following is an entry in ClinVar:

NM_001042492.3(NF1):c.5090dup (p.Thr1698fs)

Gene: NF1 (neurofibromin 1; plus strand). Cytogenetic location: 17q11.2.
Variant type: Duplication.
Coding change: c.5090dup on transcript NM_001042492.3 (MANE Select); coding-DNA position 5090, one base duplicated (T; older notation c.5090dupT).
Protein change: p.Thr1698fs; shifts the reading frame from threonine 1698.
Molecular consequence: frameshift variant.
Genome position (GRCh38, 1-based): chr17:31,326,074, T duplicated. VCF-style (leftmost placement, unchanged base first): chr17-31326073-C-CT. GRCh37 (hg19) VCF-style: chr17-29653091-C-CT.
Other names: c.5027dup, p.Thr1677Aspfs (NM_000267.4); short protein forms T1698fs, T1677fs.
Identifiers: ClinVar variation 1432213 (VCV001432213.6), dbSNP rs2151538435, ClinGen allele CA2573153364.
Genomic context (GRCh38, chr17:31,326,073, plus strand): 5'-GTCTATATCTATAACTGTAACTCCTGGGTCAGGGAGTACACCAAGTATCATGAGCGGCTG[C>CT]TGACTGGCCTCAAAGGTAGCAAAAGGCTTGTTTTCATAGACTGTCCTGGGAAACTGGCTG-3'

ClinVar aggregate classification (germline): Pathogenic (1 of 4 stars; one submission).

Conditions:
Neurofibromatosis, type 1 (NF1). Also called: Peripheral type neurofibromatosis; VON RECKLINGHAUSEN DISEASE; NEUROFIBROMATOSIS, TYPE I, SOMATIC; Neurofibromatosis, type I. Identifiers: Orphanet 636, MedGen C0027831, MONDO:0018975, OMIM 162200. Disease mechanism: loss of function.

Submission:

Labcorp Genetics (formerly Invitae), Labcorp
Classification: Pathogenic for Neurofibromatosis, type 1. Last evaluated: 2021-10-10. Review status: criteria provided, single submitter. Criteria: Invitae Variant Classification Sherloc (09022015). Collection method: clinical testing. Allele origin: germline.
Comment: This variant is not present in population databases (ExAC no frequency). This variant has not been reported in the literature in individuals affected with NF1-related conditions. For these reasons, this variant has been classified as Pathogenic. This sequence change creates a premature translational stop signal (p.Thr1677Aspfs*6) in the NF1 gene. It is expected to result in an absent or disrupted protein product. Loss-of-function variants in NF1 are known to be pathogenic (PMID: 10712197, 23913538).

Literature cited by the submitters: PubMed 10712197; PubMed 23913538.